The following is an entry in ClinVar:

ClinVar aggregate classification (germline): Likely pathogenic (1 of 4 stars; one submission).

Submission:

GeneDx
Classification: Likely pathogenic. Last evaluated: 2019-01-15. Review status: criteria provided, single submitter. Criteria: GeneDx Variant Classification (06012015). Collection method: clinical testing. Allele origin: germline. Affected: yes.
Comment: The Y958X variant has not been published as a pathogenic variant, nor has it been reported as a benign variant to our knowledge. The Y958X variant is not observed in large population cohorts (Lek et al., 2016). The Y958X variant is predicted to cause loss of normal protein function either through protein truncation or nonsense-mediated mRNA decay. Loss of function variants in the SCN4A gene have been previously associated with autosomal recessive SCN4A-related disorders (Stenson et al., 2014). Therefore, this variant is likely pathogenic; however, the possibility that it is benign cannot be excluded.

NM_000334.4(SCN4A):c.2874T>A (p.Tyr958Ter)

Genes: SCN4A (sodium voltage-gated channel alpha subunit 4; minus strand), GH-LCR (growth hormone locus control region; plus strand). Cytogenetic location: 17q23.3.
Variant type: single nucleotide variant.
Coding change: c.2874T>A on transcript NM_000334.4 (MANE Select); coding-DNA position 2874, T replaced by A.
Protein change: p.Tyr958Ter; replaces tyrosine 958 with a stop codon.
Molecular consequence: nonsense.
Genome position (GRCh38, 1-based): chr17:63,949,508, A>T on the plus strand (T>A on the coding strand, the complement: SCN4A is on the minus strand). VCF-style: chr17-63949508-A-T. GRCh37 (hg19) VCF-style: chr17-62026868-A-T.
Other names: short protein forms Y958*.
Identifiers: ClinVar variation 620544 (VCV000620544.1), dbSNP rs1567819954, ClinGen allele CA400622690.